The following is an entry in ClinVar:

ClinVar aggregate classification (germline): Uncertain significance. Review status: criteria provided, multiple submitters, no conflicts (2 of 4 stars). 2 submissions from 2 submitters: Uncertain significance (2). Last evaluated 2025-09-28.

Conditions:
Inborn genetic diseases. Identifiers: MedGen C0950123, MeSH D030342.

Allele frequency attached by ClinVar (database versions not stated): gnomAD exomes below 0.00001; gnomAD 0.00001; TOPMed 0.00002.
gnomAD v4.1: 6 of 1,613,622 alleles (0.00037%); highest among the groups gnomAD compares: Non-Finnish European, 0.00034%; no homozygotes.

Submissions (2):

Labcorp Genetics (formerly Invitae), Labcorp
Classification: Uncertain significance. Last evaluated: 2025-09-28. Review status: criteria provided, single submitter. Criteria: Invitae Variant Classification Sherloc (09022015). Collection method: clinical testing. Allele origin: germline.
Comment: This sequence change replaces glutamic acid, which is acidic and polar, with lysine, which is basic and polar, at codon 602 of the C6 protein (p.Glu602Lys). This variant is present in population databases (no rsID available, gnomAD no frequency). This variant has not been reported in the literature in individuals affected with C6-related conditions. ClinVar contains an entry for this variant (Variation ID: 1012153). An algorithm developed to predict the effect of missense changes on protein structure and function (PolyPhen-2) suggests that this variant is likely to be tolerated. In summary, the available evidence is currently insufficient to determine the role of this variant in disease. Therefore, it has been classified as a Variant of Uncertain Significance.

Ambry Genetics
Classification: Uncertain significance for Inborn genetic diseases. Last evaluated: 2024-08-01. Review status: criteria provided, single submitter. Criteria: Ambry Variant Classification Scheme 2023. Collection method: clinical testing. Allele origin: germline.

NM_000065.5(C6):c.1804G>A (p.Glu602Lys)

Gene: C6 (complement C6; minus strand). Cytogenetic location: 5p13.1.
Variant type: single nucleotide variant.
Coding change: c.1804G>A on transcript NM_000065.5 (MANE Select); coding-DNA position 1804, G replaced by A.
Protein change: p.Glu602Lys; replaces glutamic acid 602 with lysine.
Molecular consequence: missense variant.
Genome position (GRCh38, 1-based): chr5:41,159,134, C>T on the plus strand (G>A on the coding strand, the complement: C6 is on the minus strand). VCF-style: chr5-41159134-C-T. GRCh37 (hg19) VCF-style: chr5-41159236-C-T.
Other names: c.1804G>A, p.Glu602Lys (NM_001115131.4); c.1804G>A (NM_000065.2); short protein forms E602K.
Identifiers: ClinVar variation 1012153 (VCV001012153.9), dbSNP rs1307831314, ClinGen allele CA359597230.